The following is an entry in ClinVar:

NM_006978.3(RNF113A):c.424GAG[1] (p.Glu143del)

Gene: RNF113A (ring finger protein 113A; minus strand). Cytogenetic location: Xq24.
Variant type: Microsatellite.
Coding change: c.424GAG[1] on transcript NM_006978.3 (MANE Select); one copy of the 3-base unit GAG starting at c.424; the reference has two copies in a row; one copy, 3 bases deleted.
Protein change: p.Glu143del; deletes glutamic acid 143.
Molecular consequence: inframe deletion.
Genome position (GRCh38, 1-based): chrX:119,871,185-119,871,187, CTC deleted on the plus strand (GAG on the coding strand, the reverse complement: RNF113A is on the minus strand); deleting any 3 consecutive bases within chrX:119,871,185-119,871,192 gives the same sequence; the position shown is the placement nearest the transcript's 3' end. VCF-style (leftmost placement, unchanged base first): chrX-119871184-GCTC-G. GRCh37 (hg19) VCF-style: chrX-119005147-GCTC-G.
Other names: short protein forms E143del.
Identifiers: ClinVar variation 3252467 (VCV003252467.1), dbSNP rs2521608232.

ClinVar aggregate classification (germline): Uncertain significance (1 of 4 stars; one submission).

Submission:

GeneDx
Classification: Uncertain significance. Last evaluated: 2023-04-06. Review status: criteria provided, single submitter. Criteria: GeneDx Variant Classification Process June 2021. Collection method: clinical testing. Allele origin: germline. Affected: yes.
Comment: In-frame deletion of 1 amino acid in a non-repeat region; Not observed at significant frequency in large population cohorts (gnomAD); In silico analysis supports a deleterious effect on protein structure/function; Has not been previously published as pathogenic or benign to our knowledge